The following is an entry in ClinVar:

NM_005562.3(LAMC2):c.2797A>T (p.Arg933Ter)

Gene: LAMC2 (laminin subunit gamma 2; plus strand). Cytogenetic location: 1q25.3.
Variant type: single nucleotide variant.
Coding change: c.2797A>T on transcript NM_005562.3 (MANE Select); coding-DNA position 2797, A replaced by T.
Protein change: p.Arg933Ter; replaces arginine 933 with a stop codon.
Molecular consequence: nonsense.
Genome position (GRCh38, 1-based): chr1:183,238,349, A>T. VCF-style: chr1-183238349-A-T. GRCh37 (hg19) VCF-style: chr1-183207484-A-T.
Other names: c.2797A>T, p.Arg933Ter (NM_018891.3); short protein forms R933*.
Identifiers: ClinVar variation 983666 (VCV000983666.3), dbSNP rs1660029324, ClinGen allele CA343699214.
Genomic context (GRCh38, chr1:183,238,349, plus strand): 5'-CTATCTGCCTTTTTACAGAAATCAGATCAGCTGCTTTCCCGTGCCAATCTTGCTAAAAGC[A>T]GAGCACAAGAAGCACTGAGTATGGGCAATGCCACTTTTTATGAAGTTGAGAGCATCCTTA-3'

ClinVar aggregate classification (germline): Likely pathogenic (1 of 4 stars; one submission).

Conditions:
Junctional epidermolysis bullosa gravis of Herlitz. Also called: Herlitz-type junctional epidermolysis bullosa; Epidermolysis Bullosa Letalis; EPIDERMOLYSIS BULLOSA, JUNCTIONAL 1B, SEVERE; EPIDERMOLYSIS BULLOSA JUNCTIONALIS, HERLITZ TYPE; EPIDERMOLYSIS BULLOSA, JUNCTIONAL, HERLITZ-PEARSON TYPE; JEB-HERLITZ TYPE. Identifiers: Orphanet 79404, MedGen C0079683, MONDO:0009182, OMIM 226700.

Submission:

Myriad Genetics, Inc.
Classification: Likely pathogenic for Junctional epidermolysis bullosa gravis of Herlitz. Last evaluated: 2019-12-15. Review status: criteria provided, single submitter. Criteria: Myriad Women's Health Autosomal Recessive and X-Linked Classification Criteria (2019). Collection method: clinical testing. Allele origin: unknown.
Comment: NM_005562.2(LAMC2):c.2797A>T(R933*) is expected to be pathogenic in the context of junctional epidermolysis bullosa, LAMC2-related. This variant is predicted to lead to an abnormal or absent protein product due to the creation of a premature termination codon in LAMC2, a gene where loss-of-function variants are known to be pathogenic. Please note: this variant was assessed in the context of healthy population screening.